The following is an entry in ClinVar:

ClinVar aggregate classification (germline): Pathogenic (0 of 4 stars; one submission).

Conditions:
Carcinoma of colon (CRC). Also called: Colonic carcinoma; Colon carcinoma. Identifiers: MedGen C0699790, MONDO:0002032.

Submission:

Department of Pathology and Laboratory Medicine, Sinai Health System
Classification: Pathogenic for Carcinoma of colon. Review status: no assertion criteria provided. Collection method: clinical testing. Allele origin: unknown. Affected: yes. Study: The Canadian Open Genetics Repository (COGR).
Comment: The APC p.Val830Cysfs*12 variant was not identified in the literature nor was it identified in dbSNP, ClinVar, LOVD 3.0 or UMD-LSDB. The variant was not identified in the following control databases: the Exome Aggregation Consortium (August 8th 2016) or the Genome Aggregation Database (Feb 27, 2017). The c.2487del variant is predicted to cause a frameshift, which alters the protein's amino acid sequence beginning at codon 830 and leads to a premature stop codon at position 841. This alteration is predicted to result in a truncated or absent protein and loss of function. Loss of function variants of the APC gene are an established mechanism of disease in familial adenomatous polyposis and is the type of variant expected to cause the disorder. In summary, based on the above information this variant meets our laboratoryâ€šÃ„Ã´s criteria to be classified as pathogenic.

NM_000038.6(APC):c.2487del (p.Val830fs)

Gene: APC (APC regulator of Wnt signaling pathway; plus strand). Cytogenetic location: 5q22.2.
Variant type: Deletion.
Coding change: c.2487del on transcript NM_000038.6 (MANE Select); coding-DNA position 2487, one base deleted (A; older notation c.2487delA).
Protein change: p.Val830fs; shifts the reading frame from valine 830.
Molecular consequence: frameshift variant.
Genome position (GRCh38, 1-based): chr5:112,838,081, A deleted. VCF-style (leftmost placement, unchanged base first): chr5-112838080-CA-C. GRCh37 (hg19) VCF-style: chr5-112173777-CA-C.
Other names: c.1638del, p.Val547fs (NM_001354906.2); c.2487del, p.Val830fs (NM_001127510.3, NM_001354895.2); c.2433del, p.Val812fs (NM_001127511.3); c.2541del, p.Val848fs (NM_001354896.2); c.2517del, p.Val840fs (NM_001354897.2); c.2412del, p.Val805fs (NM_001354898.2); c.2403del, p.Val802fs (NM_001354899.2); c.2364del, p.Val789fs (NM_001354900.2); and 5 more; short protein forms V547fs, V670fs, V704fs, V729fs, V739fs, V771fs, V789fs, V802fs.
Identifiers: ClinVar variation 1050389 (VCV001050389.1), dbSNP rs2149870772, ClinGen allele CA2499217464.